The following is an entry in ClinVar:

NM_017780.4(CHD7):c.250G>T (p.Asp84Tyr)

Gene: CHD7 (chromodomain helicase DNA binding protein 7; plus strand). Cytogenetic location: 8q12.2.
Variant type: single nucleotide variant.
Coding change: c.250G>T on transcript NM_017780.4 (MANE Select); coding-DNA position 250, G replaced by T.
Protein change: p.Asp84Tyr; replaces aspartic acid 84 with tyrosine.
Molecular consequence: missense variant.
Genome position (GRCh38, 1-based): chr8:60,741,682, G>T. VCF-style: chr8-60741682-G-T. GRCh37 (hg19) VCF-style: chr8-61654241-G-T.
Other names: c.250G>T, p.Asp84Tyr (NM_001316690.1); short protein forms D84Y.
Identifiers: ClinVar variation 5020532 (VCV005020532.1).

ClinVar aggregate classification (germline): Uncertain significance (1 of 4 stars; one submission).

Submission:

Dasa
Classification: Uncertain significance. Last evaluated: 2026-05-20. Review status: criteria provided, single submitter. Criteria: DASA Assertion Criteria. Collection method: clinical testing. Allele origin: germline.
Comment: NM_017780.4(CHD7):c.250G>T (p.Asp84Tyr) is a missense variant that results in the substitution of aspartic acid with tyrosine. This variant is rare in population databases. The currently available literature and clinical evidence are not sufficient to establish a definitive association between this variant and the reported condition. Therefore, this variant is classified as a variant of uncertain significance.